The following is an entry in ClinVar:

NM_002519.3(NPAT):c.2150C>G (p.Ser717Cys)

Gene: NPAT (nuclear protein, coactivator of histone transcription; minus strand). Cytogenetic location: 11q22.3.
Variant type: single nucleotide variant.
Coding change: c.2150C>G on transcript NM_002519.3 (MANE Select); coding-DNA position 2150, C replaced by G.
Protein change: p.Ser717Cys; replaces serine 717 with cysteine.
Molecular consequence: missense variant.
Genome position (GRCh38, 1-based): chr11:108,172,834, G>C on the plus strand (C>G on the coding strand, the complement: NPAT is on the minus strand). VCF-style: chr11-108172834-G-C. GRCh37 (hg19) VCF-style: chr11-108043561-G-C.
Other names: c.2150C>G, p.Ser717Cys (NM_001321307.1); short protein forms S717C.
Identifiers: ClinVar variation 2624979 (VCV002624979.2), dbSNP rs201186765, ClinGen allele CA382513583.

ClinVar aggregate classification (germline): Uncertain significance (1 of 4 stars; one submission).

Submission:

Ambry Genetics
Classification: Uncertain significance. Last evaluated: 2023-09-13. Review status: criteria provided, single submitter. Criteria: Ambry Variant Classification Scheme 2023. Collection method: clinical testing. Allele origin: germline.
Comment: The p.S717C variant (also known as c.2150C>G), located in coding exon 13 of the NPAT gene, results from a C to G substitution at nucleotide position 2150. The serine at codon 717 is replaced by cysteine, an amino acid with dissimilar properties. This amino acid position is conserved. In addition, this alteration is predicted to be tolerated by in silico analysis. Since supporting evidence is limited at this time, the clinical significance of this alteration remains unclear.